The following is an entry in ClinVar:

ClinVar aggregate classification (germline): Uncertain significance (1 of 4 stars; one submission).

Conditions:
Brachyolmia-amelogenesis imperfecta syndrome. Also called: Tooth agenesis, selective, 6; Dental anomalies and short stature; PLATYSPONDYLY WITH AMELOGENESIS IMPERFECTA. Identifiers: Orphanet 2899, MedGen C1832594, MONDO:0011018, OMIM 601216. Disease mechanism: loss of function.

Submission:

Labcorp Genetics (formerly Invitae), Labcorp
Classification: Uncertain significance for Brachyolmia-amelogenesis imperfecta syndrome. Last evaluated: 2025-09-21. Review status: criteria provided, single submitter. Criteria: Invitae Variant Classification Sherloc (09022015). Collection method: clinical testing. Allele origin: germline.
Comment: This sequence change replaces glycine, which is neutral and non-polar, with aspartic acid, which is acidic and polar, at codon 1150 of the LTBP3 protein (p.Gly1150Asp). This variant is not present in population databases (gnomAD no frequency). This variant has not been reported in the literature in individuals affected with LTBP3-related conditions. ClinVar contains an entry for this variant (Variation ID: 1350182). An algorithm developed to predict the effect of missense changes on protein structure and function (PolyPhen-2) suggests that this variant is likely to be disruptive. In summary, the available evidence is currently insufficient to determine the role of this variant in disease. Therefore, it has been classified as a Variant of Uncertain Significance.

NM_001130144.3(LTBP3):c.3449G>A (p.Gly1150Asp)

Gene: LTBP3 (latent transforming growth factor beta binding protein 3; minus strand). Cytogenetic location: 11q13.1.
Variant type: single nucleotide variant.
Coding change: c.3449G>A on transcript NM_001130144.3 (MANE Select); coding-DNA position 3449, G replaced by A.
Protein change: p.Gly1150Asp; replaces glycine 1150 with aspartic acid.
Molecular consequence: missense variant.
Genome position (GRCh38, 1-based): chr11:65,539,818, C>T on the plus strand (G>A on the coding strand, the complement: LTBP3 is on the minus strand). VCF-style: chr11-65539818-C-T. GRCh37 (hg19) VCF-style: chr11-65307289-C-T.
Other names: c.2957G>A, p.Gly986Asp (NM_001164266.1); c.3308G>A, p.Gly1103Asp (NM_021070.4); short protein forms G1150D, G1103D, G986D.
Identifiers: ClinVar variation 1350182 (VCV001350182.6), dbSNP rs1404901505, ClinGen allele CA381266853.
Genomic context (GRCh38, chr11:65,539,818, plus strand): 5'-CAGCCGCGGCCCTGGCGGCAGCAGCAGTCGTCGAAGGTGAGGGCAGGCCCGGCCAGGGGG[C>T]CAGCGCACATGCCGTCCTCTCCGCGCTGGCTCCAGCACACGTCGCGCCGCTCCGGGGCAC-3'
Protein context (NP_001123616.1, residues 1140-1160): SQRGEDGMCA[Gly1150Asp]PLAGPALTFD